The following is an entry in ClinVar:

ClinVar aggregate classification (germline): Pathogenic (1 of 4 stars; one submission).

Conditions:
Glycogen storage disease, type II (IOPD). Also called: Pompe Disease; CARDIOMEGALIA GLYCOGENICA DIFFUSA; GLYCOGENOSIS, GENERALIZED, CARDIAC FORM; GSD II; POMPE DISEASE, INFANTILE-ONSET; GLYCOGEN STORAGE DISEASE II, INFANTILE-ONSET. Identifiers: Orphanet 365, MedGen C0017921, MONDO:0009290, OMIM 232300.

Submission:

Genomenon, Inc
Classification: Pathogenic for Glycogen storage disease, type II. Last evaluated: 2026-07-01. Review status: criteria provided, single submitter. Criteria: Genomenon Sequence Variant Interpretation Standards - Updated. Collection method: curation. Allele origin: germline. Affected: yes.
Comment: GAA c.2331+2T>C is a canonical splice variant affecting the donor splice site of intron 16. It is predicted to affect mRNA splicing, leading to a deleterious effect on the GAA protein. This variant has been observed in at least one proband with a GAA-related disorder (PMID:9425285;18429042). Functional studies have been reported (PMID:9425285). At least one splicing study has demonstrated that this variant results in aberrant splicing (PMID:9425285). It is absent or not present at a significant frequency in gnomAD. In conclusion, we classify GAA c.2331+2T>C as a pathogenic variant.

Literature cited by the submitters: PubMed 9425285; PubMed 18429042.

NM_000152.5(GAA):c.2331+2T>C

Gene: GAA (alpha glucosidase; plus strand). Cytogenetic location: 17q25.3.
Variant type: single nucleotide variant.
Coding change: c.2331+2T>C on transcript NM_000152.5 (MANE Select); the canonical splice donor site of the intron after coding-DNA position 2331, T replaced by C.
Molecular consequence: splice donor variant.
Genome position (GRCh38, 1-based): chr17:80,117,111, T>C. VCF-style: chr17-80117111-T-C. GRCh37 (hg19) VCF-style: chr17-78090910-T-C.
Other names: c.2331+2T>C (NM_001406741.1, NM_001406742.1, NM_001079803.3 and 1 more transcripts).
Identifiers: ClinVar variation 4876382 (VCV004876382.1).